The following is an entry in ClinVar:

ClinVar aggregate classification (germline): Likely benign. Review status: criteria provided, multiple submitters, no conflicts (2 of 4 stars). 2 submissions from 2 submitters: Likely benign (2). Last evaluated 2026-06-22.

Conditions:
Retinoblastoma (RB1). Also called: RETINOBLASTOMA, SOMATIC. Identifiers: Orphanet 790, MedGen C0035335, MeSH D012175, MONDO:0008380, OMIM 180200, HP:0009919. Disease mechanism: loss of function. Inheritance: Both sporadic and heritable forms are tested..

Allele frequency attached by ClinVar (database versions not stated): gnomAD exomes 0.00001; ExAC 0.00001; TOPMed 0.00002.
gnomAD v4.1: 1 of 1,590,460 alleles (0.000063%); highest among the groups gnomAD compares: East Asian, 0.0022%; no homozygotes.

Submissions (2):

Myriad Genetics, Inc.
Classification: Likely benign for Retinoblastoma. Last evaluated: 2026-06-22. Review status: criteria provided, single submitter. Criteria: Myriad Autosomal Dominant, Autosomal Recessive and X-Linked Classification Criteria (2023). Collection method: clinical testing. Allele origin: unknown.
Comment: This variant is considered likely benign. This variant is intronic and is not expected to impact mRNA splicing.

Labcorp Genetics (formerly Invitae), Labcorp
Classification: Likely benign for Retinoblastoma. Last evaluated: 2024-06-08. Review status: criteria provided, single submitter. Criteria: Invitae Variant Classification Sherloc (09022015). Collection method: clinical testing. Allele origin: germline.

NM_000321.3(RB1):c.2489+7G>A

Gene: RB1 (RB transcriptional corepressor 1; plus strand). Cytogenetic location: 13q14.2.
Variant type: single nucleotide variant.
Coding change: c.2489+7G>A on transcript NM_000321.3 (MANE Select); 7 bases into the intron after coding-DNA position 2489, G replaced by A.
Molecular consequence: intron variant.
Genome position (GRCh38, 1-based): chr13:48,465,375, G>A. VCF-style: chr13-48465375-G-A. GRCh37 (hg19) VCF-style: chr13-49039511-G-A.
Identifiers: ClinVar variation 416505 (VCV000416505.12), dbSNP rs752607904, ClinGen allele CA035799.
Genomic context (GRCh38, chr13:48,465,375, plus strand): 5'-ATATAAAATTTCAGAAGGTCTGCCAACACCAACAAAAATGACTCCAAGATCAAGGTGTGT[G>A]TTTTCTCTTTAGGGAAGTAGTAAAGAATGAGAGGGGGATTATTTTGATCCAAGAATAAAA-3'